The following is an entry in ClinVar:

ClinVar aggregate classification (germline): Uncertain significance (1 of 4 stars; one submission).

Allele frequency attached by ClinVar (database versions not stated): gnomAD 0.00002; ExAC 0.00003; TOPMed 0.00003; 1000 Genomes Project 30x 0.00031; 1000 Genomes Project 0.00040.
gnomAD v4.1: 7 of 1,614,144 alleles (0.00043%); highest among the groups gnomAD compares: East Asian, 0.016%; no homozygotes.

Submission:

Labcorp Genetics (formerly Invitae), Labcorp
Classification: Uncertain significance. Last evaluated: 2024-10-29. Review status: criteria provided, single submitter. Criteria: Invitae Variant Classification Sherloc (09022015). Collection method: clinical testing. Allele origin: germline.
Comment: This sequence change replaces alanine, which is neutral and non-polar, with threonine, which is neutral and polar, at codon 234 of the PDGFB protein (p.Ala234Thr). This variant is present in population databases (rs201229710, gnomAD 0.03%). This variant has not been reported in the literature in individuals affected with PDGFB-related conditions. An algorithm developed to predict the effect of missense changes on protein structure and function outputs the following: PolyPhen-2: "Benign". The threonine amino acid residue is found in multiple mammalian species, which suggests that this missense change does not adversely affect protein function. In summary, the available evidence is currently insufficient to determine the role of this variant in disease. Therefore, it has been classified as a Variant of Uncertain Significance.

NM_002608.4(PDGFB):c.700G>A (p.Ala234Thr)

Gene: PDGFB (platelet derived growth factor subunit B; minus strand). Cytogenetic location: 22q13.1.
Variant type: single nucleotide variant.
Coding change: c.700G>A on transcript NM_002608.4 (MANE Select); coding-DNA position 700, G replaced by A.
Protein change: p.Ala234Thr; replaces alanine 234 with threonine.
Molecular consequence: missense variant.
Genome position (GRCh38, 1-based): chr22:39,225,749, C>T on the plus strand (G>A on the coding strand, the complement: PDGFB is on the minus strand). VCF-style: chr22-39225749-C-T. GRCh37 (hg19) VCF-style: chr22-39621754-C-T.
Other names: c.655G>A, p.Ala219Thr (NM_033016.3); short protein forms A219T, A234T.
Identifiers: ClinVar variation 2906375 (VCV002906375.3), dbSNP rs201229710, ClinGen allele CA10240009.